The following is an entry in ClinVar:

NM_000152.5(GAA):c.2309del (p.Gly770fs)

Gene: GAA (alpha glucosidase; plus strand). Cytogenetic location: 17q25.3.
Variant type: Deletion.
Coding change: c.2309del on transcript NM_000152.5 (MANE Select); coding-DNA position 2309, one base deleted (G; older notation c.2309delG).
Protein change: p.Gly770fs; shifts the reading frame from glycine 770.
Molecular consequence: frameshift variant.
Genome position (GRCh38, 1-based): chr17:80,117,087, G deleted; the last of 3 consecutive G bases (chr17:80,117,085-80,117,087); deleting any one gives the same sequence. VCF-style (leftmost placement, unchanged base first): chr17-80117084-TG-T. GRCh37 (hg19) VCF-style: chr17-78090883-TG-T.
Other names: c.2309del, p.Gly770fs (NM_001079803.3, NM_001079804.3, NM_001406741.1 and 1 more transcripts); short protein forms G770fs.
Identifiers: ClinVar variation 5015925 (VCV005015925.1).
Genomic context (GRCh38, chr17:80,117,084, plus strand): 5'-CCCTGCTCATCACCCCAGTGCTCCAGGCCGGGAAGGCCGAAGTGACTGGCTACTTCCCCT[TG>T]GGCACATGGTACGACCTGCAGACGGTGAGTCTGGGGACCCTAAGCCCTGGGGAGACGGGA-3'

ClinVar aggregate classification (germline): Pathogenic (1 of 4 stars; one submission).

Conditions:
Glycogen storage disease, type II (IOPD). Also called: CARDIOMEGALIA GLYCOGENICA DIFFUSA; GLYCOGENOSIS, GENERALIZED, CARDIAC FORM; GSD II; Glycogen storage disease type 2; Acid maltase deficiency disease; Aglucosidase alfa. Identifiers: Orphanet 365, MedGen C0017921, MONDO:0009290, OMIM 232300.

Submission:

Myriad Genetics, Inc.
Classification: Pathogenic for Glycogen storage disease, type II. Last evaluated: 2026-05-17. Review status: criteria provided, single submitter. Criteria: Myriad Autosomal Dominant, Autosomal Recessive and X-Linked Classification Criteria (2023). Collection method: clinical testing. Allele origin: unknown.
Comment: NM_000152.3(GAA):c.2309delG(G770Afs*11) is expected to be pathogenic in the context of Pompe disease. This variant is predicted to lead to an abnormal or absent protein product due to the creation of a premature termination codon in GAA, a gene where loss-of-function variants are known to be pathogenic. Please note: this variant was assessed in the context of healthy population screening.